The following is an entry in ClinVar:

ClinVar aggregate classification (germline): Uncertain significance (1 of 4 stars; one submission).

Conditions:
DICER1-related tumor predisposition. Also called: DICER1-related pleuropulmonary blastoma cancer predisposition syndrome; DICER1 syndrome. Identifiers: Orphanet 284343, MedGen C3839822, MONDO:0100216.

Submission:

Labcorp Genetics (formerly Invitae), Labcorp
Classification: Uncertain significance for DICER1-related tumor predisposition. Last evaluated: 2023-04-07. Review status: criteria provided, single submitter. Criteria: Invitae Variant Classification Sherloc (09022015). Collection method: clinical testing. Allele origin: germline.
Comment: In summary, the available evidence is currently insufficient to determine the role of this variant in disease. Therefore, it has been classified as a Variant of Uncertain Significance. Advanced modeling of protein sequence and biophysical properties (such as structural, functional, and spatial information, amino acid conservation, physicochemical variation, residue mobility, and thermodynamic stability) performed at Invitae indicates that this missense variant is not expected to disrupt DICER1 protein function. ClinVar contains an entry for this variant (Variation ID: 566455). This variant has not been reported in the literature in individuals affected with DICER1-related conditions. This variant is not present in population databases (gnomAD no frequency). This sequence change replaces aspartic acid, which is acidic and polar, with valine, which is neutral and non-polar, at codon 283 of the DICER1 protein (p.Asp283Val).

NM_177438.3(DICER1):c.848A>T (p.Asp283Val)

Gene: DICER1 (dicer 1, ribonuclease III; minus strand). Cytogenetic location: 14q32.13.
Variant type: single nucleotide variant.
Coding change: c.848A>T on transcript NM_177438.3 (MANE Select); coding-DNA position 848, A replaced by T.
Protein change: p.Asp283Val; replaces aspartic acid 283 with valine.
Molecular consequence: missense variant.
Genome position (GRCh38, 1-based): chr14:95,126,635, T>A on the plus strand (A>T on the coding strand, the complement: DICER1 is on the minus strand). VCF-style: chr14-95126635-T-A. GRCh37 (hg19) VCF-style: chr14-95592972-T-A.
Other names: c.848A>T, p.Asp283Val (NM_001195573.1, NM_001271282.3, NM_001291628.2 and 1 more transcripts); short protein forms D283V.
Identifiers: ClinVar variation 566455 (VCV000566455.10), dbSNP rs1566806740, ClinGen allele CA390887539.